The following is an entry in ClinVar:

ClinVar aggregate classification (germline): Uncertain significance (1 of 4 stars; one submission).

Submission:

Labcorp Genetics (formerly Invitae), Labcorp
Classification: Uncertain significance. Last evaluated: 2024-09-04. Review status: criteria provided, single submitter. Criteria: Invitae Variant Classification Sherloc (09022015). Collection method: clinical testing. Allele origin: germline.
Comment: This sequence change replaces glycine, which is neutral and non-polar, with cysteine, which is neutral and slightly polar, at codon 582 of the AFG3L2 protein (p.Gly582Cys). This variant is not present in population databases (gnomAD no frequency). This variant has not been reported in the literature in individuals affected with AFG3L2-related conditions. Invitae Evidence Modeling of protein sequence and biophysical properties (such as structural, functional, and spatial information, amino acid conservation, physicochemical variation, residue mobility, and thermodynamic stability) indicates that this missense variant is expected to disrupt AFG3L2 protein function with a positive predictive value of 95%. In summary, the available evidence is currently insufficient to determine the role of this variant in disease. Therefore, it has been classified as a Variant of Uncertain Significance.

NM_006796.3(AFG3L2):c.1744G>T (p.Gly582Cys)

Gene: AFG3L2 (AFG3 like matrix AAA peptidase subunit 2; minus strand). Cytogenetic location: 18p11.21.
Variant type: single nucleotide variant.
Coding change: c.1744G>T on transcript NM_006796.3 (MANE Select); coding-DNA position 1744, G replaced by T.
Protein change: p.Gly582Cys; replaces glycine 582 with cysteine.
Molecular consequence: missense variant.
Genome position (GRCh38, 1-based): chr18:12,344,167, C>A on the plus strand (G>T on the coding strand, the complement: AFG3L2 is on the minus strand). VCF-style: chr18-12344167-C-A. GRCh37 (hg19) VCF-style: chr18-12344166-C-A.
Other names: short protein forms G582C.
Identifiers: ClinVar variation 3637525 (VCV003637525.2).